The following is an entry in ClinVar:

NM_001034850.3(RETREG1):c.10C>T (p.Pro4Ser)

Genes: RETREG1 (reticulophagy regulator 1; minus strand), RETREG1-AS1 (RETREG1 antisense RNA 1; plus strand), LOC129993734 (ATAC-STARR-seq lymphoblastoid silent region 15947; plus strand). Cytogenetic location: 5p15.1.
Variant type: single nucleotide variant.
Coding change: c.10C>T on transcript NM_001034850.3 (MANE Select); coding-DNA position 10, C replaced by T.
Protein change: p.Pro4Ser; replaces proline 4 with serine.
Molecular consequence: missense variant.
Genome position (GRCh38, 1-based): chr5:16,616,962, G>A on the plus strand (C>T on the coding strand, the complement: RETREG1 is on the minus strand). VCF-style: chr5-16616962-G-A. GRCh37 (hg19) VCF-style: chr5-16617071-G-A.
Other names: short protein forms P4S.
Identifiers: ClinVar variation 907926 (VCV000907926.15), dbSNP rs1420598605, ClinGen allele CA359293208.
Genomic context (GRCh38, chr5:16,616,962, plus strand): 5'-GCGCCTGCTCCTCGGCGGCAGGAGCCGGGCATCCCTCCTCGGCGTGCTCCGGAGGCGCCG[G>A]GCTCGCCATCTTCAGCTGTGCTTCCAGACAGGGACGGGGCCGGGCGCGCGCGCGGGCGCG-3'
Protein context (NP_001030022.1, residues 1-14): MAS[Pro4Ser]APPEHAEEGC

ClinVar aggregate classification (germline): Conflicting classifications of pathogenicity. Review status: criteria provided, conflicting classifications (1 of 4 stars). 3 submissions from 3 submitters: Uncertain significance (2); Likely benign (1). Last evaluated 2024-01-02.

Conditions:
Inborn genetic diseases. Identifiers: MedGen C0950123, MeSH D030342.
Neuropathy, hereditary sensory and autonomic, type 2B (HSAN2B). Also called: RETREG1-Related HSAN2 (HSAN2B). Identifiers: Orphanet 970, MedGen C2751092, MONDO:0013142, OMIM 613115.

Allele frequency attached by ClinVar (database versions not stated): TOPMed below 0.00001.
gnomAD v4.1: 38 of 1,432,050 alleles (0.0027%); highest among the groups gnomAD compares: Non-Finnish European, 0.0031%; no homozygotes.

Submissions (3):

Ambry Genetics
Classification: Likely benign for Inborn genetic diseases. Last evaluated: 2024-01-02. Review status: criteria provided, single submitter. Criteria: Ambry Variant Classification Scheme 2023. Collection method: clinical testing. Allele origin: germline.

Labcorp Genetics (formerly Invitae), Labcorp
Classification: Uncertain significance. Last evaluated: 2019-11-14. Review status: criteria provided, single submitter. Criteria: Invitae Variant Classification Sherloc (09022015). Collection method: clinical testing. Allele origin: germline.
Comment: In summary, the available evidence is currently insufficient to determine the role of this variant in disease. Therefore, it has been classified as a Variant of Uncertain Significance. Algorithms developed to predict the effect of missense changes on protein structure and function are either unavailable or do not agree on the potential impact of this missense change (SIFT: "Tolerated"; PolyPhen-2: "Not Available"; Align-GVGD: "Class C0"). This variant has not been reported in the literature in individuals with RETREG1-related conditions. The frequency data for this variant in the population databases is considered unreliable, as metrics indicate insufficient coverage at this position in the ExAC database. This sequence change replaces proline with serine at codon 4 of the RETREG1 protein (p.Pro4Ser). The proline residue is weakly conserved and there is a moderate physicochemical difference between proline and serine.

Illumina Laboratory Services, Illumina
Classification: Uncertain significance for Neuropathy, hereditary sensory and autonomic, type 2B. Last evaluated: 2018-01-12. Review status: criteria provided, single submitter. Criteria: ICSL Variant Classification Criteria 13 December 2019. Collection method: clinical testing. Allele origin: germline.